The following is an entry in ClinVar:

NM_015450.3(POT1):c.1400C>A (p.Ser467Ter)

Gene: POT1 (protection of telomeres 1; minus strand). Cytogenetic location: 7q31.33.
Variant type: single nucleotide variant.
Coding change: c.1400C>A on transcript NM_015450.3 (MANE Select); coding-DNA position 1400, C replaced by A.
Protein change: p.Ser467Ter; replaces serine 467 with a stop codon.
Molecular consequence: nonsense. On other transcripts: non-coding transcript variant (3).
Genome position (GRCh38, 1-based): chr7:124,835,384, G>T on the plus strand (C>A on the coding strand, the complement: POT1 is on the minus strand). VCF-style: chr7-124835384-G-T. GRCh37 (hg19) VCF-style: chr7-124475438-G-T.
Other names: c.1007C>A, p.Ser336Ter (NM_001042594.2); short protein forms S336*, S467*.
Identifiers: ClinVar variation 837307 (VCV000837307.11), dbSNP rs1410842025, ClinGen allele CA369065914.

ClinVar aggregate classification (germline): Pathogenic/Likely pathogenic. Review status: criteria provided, multiple submitters, no conflicts (2 of 4 stars). 3 submissions from 3 submitters: Pathogenic (2); Likely pathogenic (1). Last evaluated 2026-06-01.

Conditions:
Tumor predisposition syndrome 3 (TPDS3). Also called: Melanoma, cutaneous malignant, susceptibility to, 10; Glioma susceptibility 9; LONG TELOMERE SYNDROME, POT1-RELATED; POT1 Tumor Predisposition. Identifiers: Orphanet 618, MedGen C4014476, MONDO:0014368, OMIM 615848.
Hereditary cancer-predisposing syndrome. Also called: Tumor predisposition; Neoplastic Syndromes, Hereditary; Hereditary neoplastic syndrome; Hereditary Cancer Syndrome. Identifiers: Orphanet 140162, MedGen C0027672, MeSH D009386, MONDO:0015356.

gnomAD v4.1: 2 of 1,613,512 alleles (0.00012%); highest among the groups gnomAD compares: Non-Finnish European, 0.00017%; no homozygotes.

Submissions (3):

Ambry Genetics
Classification: Pathogenic for Hereditary cancer-predisposing syndrome. Last evaluated: 2026-06-01. Review status: criteria provided, single submitter. Criteria: Ambry Variant Classification Scheme 2023. Collection method: clinical testing. Allele origin: germline.
Comment: The p.S467* pathogenic mutation (also known as c.1400C>A), located in coding exon 11 of the POT1 gene, results from a C to A substitution at nucleotide position 1400. This changes the amino acid from a serine to a stop codon within coding exon 11. This variant is considered to be rare based on population cohorts in the Genome Aggregation Database (gnomAD). This alteration is expected to result in loss of function by premature protein truncation or nonsense-mediated mRNA decay. As such, this alteration is interpreted as a disease-causing mutation.

Labcorp Genetics (formerly Invitae), Labcorp
Classification: Pathogenic for Tumor predisposition syndrome 3. Last evaluated: 2023-07-25. Review status: criteria provided, single submitter. Criteria: Invitae Variant Classification Sherloc (09022015). Collection method: clinical testing. Allele origin: germline.
Comment: This sequence change creates a premature translational stop signal (p.Ser467*) in the POT1 gene. It is expected to result in an absent or disrupted protein product. Loss-of-function variants in POT1 are known to be pathogenic (PMID: 32155570). For these reasons, this variant has been classified as Pathogenic. Algorithms developed to predict the effect of sequence changes on RNA splicing suggest that this variant may disrupt the consensus splice site. ClinVar contains an entry for this variant (Variation ID: 837307). This variant has not been reported in the literature in individuals affected with POT1-related conditions. This variant is not present in population databases (gnomAD no frequency).

GeneDx
Classification: Likely pathogenic. Last evaluated: 2020-05-22. Review status: criteria provided, single submitter. Criteria: GeneDx Variant Classification Process June 2021. Collection method: clinical testing. Allele origin: germline. Affected: yes.
Comment: Nonsense variant predicted to result in protein truncation or nonsense mediated decay in a gene for which loss-of-function is a known mechanism of disease; Not observed in large population cohorts (Lek 2016); Has not been previously published as pathogenic or benign to our knowledge

Literature cited by the submitters: PubMed 32155570 (cited by Labcorp Genetics (formerly Invitae), Labcorp).